The following is an entry in ClinVar:

ClinVar aggregate classification (germline): Conflicting classifications of pathogenicity. Review status: criteria provided, conflicting classifications (1 of 4 stars). 2 submissions from 2 submitters: Uncertain significance (1); Likely benign (1). Last evaluated 2024-12-26.

Conditions:
Hereditary cancer-predisposing syndrome. Also called: Neoplastic Syndromes, Hereditary; Tumor predisposition; Hereditary neoplastic syndrome; Hereditary Cancer Syndrome. Identifiers: Orphanet 140162, MedGen C0027672, MeSH D009386, MONDO:0015356.

Submissions (2):

Labcorp Genetics (formerly Invitae), Labcorp
Classification: Likely benign. Last evaluated: 2024-12-26. Review status: criteria provided, single submitter. Criteria: Invitae Variant Classification Sherloc (09022015). Collection method: clinical testing. Allele origin: germline.

Ambry Genetics
Classification: Uncertain significance for Hereditary cancer-predisposing syndrome. Last evaluated: 2022-06-10. Review status: criteria provided, single submitter. Criteria: Ambry Variant Classification Scheme 2023. Collection method: clinical testing. Allele origin: germline.
Comment: The c.1764-13_1764-3del11 intronic variant, located in intron 12 of the MSH3 gene, results from a deletion of 11 nucleotides at positions c.1764-13 to c.1764-3. This nucleotide region is not well conserved in available vertebrate species. In silico splice site analysis predicts that this alteration will weaken the native splice acceptor site. Since supporting evidence is limited at this time, the clinical significance of this alteration remains unclear.

NM_002439.5(MSH3):c.1764-13_1764-3del

Gene: MSH3 (mutS homolog 3; plus strand). Cytogenetic location: 5q14.1.
Variant type: Deletion.
Coding change: c.1764-13_1764-3del on transcript NM_002439.5 (MANE Select); 13 bases into the intron before coding-DNA position 1764 through 3 bases into the intron before coding-DNA position 1764, 11 bases deleted (TCTTTTCTCAC).
Molecular consequence: intron variant.
Genome position (GRCh38, 1-based): chr5:80,761,533-80,761,543, TCTTTTCTCAC deleted; deleting any 11 consecutive bases within chr5:80,761,531-80,761,543 gives the same sequence; the c. name uses the placement nearest the transcript's 3' end. VCF-style (leftmost placement, unchanged base first): chr5-80761530-TACTCTTTTCTC-T. GRCh37 (hg19) VCF-style: chr5-80057349-TACTCTTTTCTC-T.
Other names: c.1764-13_1764-3delTCTTTTCTCAC (NM_002439.4).
Identifiers: ClinVar variation 661694 (VCV000661694.13), dbSNP rs1580027328, ClinGen allele CA915943396.